The following is an entry in ClinVar:

NM_001378452.1(ITPR1):c.2413G>A (p.Ala805Thr)

Gene: ITPR1 (inositol 1,4,5-trisphosphate receptor type 1; plus strand). Cytogenetic location: 3p26.1.
Variant type: single nucleotide variant.
Coding change: c.2413G>A on transcript NM_001378452.1 (MANE Select); coding-DNA position 2413, G replaced by A.
Protein change: p.Ala805Thr; replaces alanine 805 with threonine.
Molecular consequence: missense variant.
Genome position (GRCh38, 1-based): chr3:4,673,344, G>A. VCF-style: chr3-4673344-G-A. GRCh37 (hg19) VCF-style: chr3-4715028-G-A.
Other names: c.2413G>A, p.Ala805Thr (NM_001099952.4); c.2368G>A, p.Ala790Thr (NM_001168272.2, NM_002222.7); short protein forms A790T, A805T.
Identifiers: ClinVar variation 5018058 (VCV005018058.1).

ClinVar aggregate classification (germline): Uncertain significance (1 of 4 stars; one submission).

gnomAD v4.1: 1 of 1,611,474 alleles (0.000062%); highest among the groups gnomAD compares: African/African-American, 0.0013%; no homozygotes.

Submission:

GeneDx
Classification: Uncertain significance. Last evaluated: 2026-03-31. Review status: criteria provided, single submitter. Criteria: GeneDx Variant Classification Process June 2021. Collection method: clinical testing. Allele origin: germline.
Comment: Not observed at significant frequency in large population cohorts (gnomAD); In silico analysis supports that this missense variant has a deleterious effect on protein structure/function; Has not been previously published as pathogenic or benign to our knowledge